The following is an entry in ClinVar:

ClinVar aggregate classification (germline): Uncertain significance (1 of 4 stars; one submission).

Conditions:
Gastrointestinal stromal tumor. Also called: Gastrointestinal stromal tumor, somatic; Gastrointestinal stroma tumor. Identifiers: Orphanet 44890, MedGen C0238198, MeSH D046152, MONDO:0011719, OMIM 606764, HP:0100723.

Submission:

Labcorp Genetics (formerly Invitae), Labcorp
Classification: Uncertain significance for Gastrointestinal stromal tumor. Last evaluated: 2026-01-04. Review status: criteria provided, single submitter. Criteria: Invitae Variant Classification Sherloc (09022015). Collection method: clinical testing. Allele origin: germline.
Comment: This sequence change replaces threonine, which is neutral and polar, with isoleucine, which is neutral and non-polar, at codon 181 of the PDGFRA protein (p.Thr181Ile). This variant is not present in population databases (gnomAD no frequency). This variant has not been reported in the literature in individuals affected with PDGFRA-related conditions. ClinVar contains an entry for this variant (Variation ID: 568816). An algorithm developed to predict the effect of missense changes on protein structure and function (PolyPhen-2) suggests that this variant is likely to be tolerated. In summary, the available evidence is currently insufficient to determine the role of this variant in disease. Therefore, it has been classified as a Variant of Uncertain Significance.

NM_006206.6(PDGFRA):c.542C>T (p.Thr181Ile)

Gene: PDGFRA (platelet derived growth factor receptor alpha; plus strand). Cytogenetic location: 4q12.
Variant type: single nucleotide variant.
Coding change: c.542C>T on transcript NM_006206.6 (MANE Select); coding-DNA position 542, C replaced by T.
Protein change: p.Thr181Ile; replaces threonine 181 with isoleucine.
Molecular consequence: missense variant.
Genome position (GRCh38, 1-based): chr4:54,263,841, C>T. VCF-style: chr4-54263841-C-T. GRCh37 (hg19) VCF-style: chr4-55130008-C-T.
Other names: c.542C>T, p.Thr181Ile (NM_001347827.2, NM_001347829.2); c.617C>T, p.Thr206Ile (NM_001347828.2); c.581C>T, p.Thr194Ile (NM_001347830.2); short protein forms T181I, T206I, T194I.
Identifiers: ClinVar variation 568816 (VCV000568816.9), dbSNP rs746299618, ClinGen allele CA356890050.